The following is an entry in ClinVar:

ClinVar aggregate classification (germline): Pathogenic (1 of 4 stars; one submission).

Conditions:
Hereditary breast ovarian cancer syndrome. Also called: Hereditary breast and ovarian cancer syndrome; Hereditary breast and/or ovarian cancer syndrome; BRCA1- and BRCA2-Associated Hereditary Breast and Ovarian Cancer; Hereditary breast and ovarian cancer; Breast and ovarian cancer; Hereditary breast and ovarian cancer syndrome (HBOC). Identifiers: Orphanet 145, MedGen C0677776, MeSH D061325, MONDO:0003582. Disease mechanism: loss of function.

Submission:

Labcorp Genetics (formerly Invitae), Labcorp
Classification: Pathogenic for Hereditary breast ovarian cancer syndrome. Last evaluated: 2023-10-04. Review status: criteria provided, single submitter. Criteria: Invitae Variant Classification Sherloc (09022015). Collection method: clinical testing. Allele origin: germline.
Comment: This sequence change creates a premature translational stop signal (p.Thr1410Lysfs*10) in the BRCA2 gene. It is expected to result in an absent or disrupted protein product. Loss-of-function variants in BRCA2 are known to be pathogenic (PMID: 20104584). This variant is not present in population databases (gnomAD no frequency). This variant has not been reported in the literature in individuals affected with BRCA2-related conditions. For these reasons, this variant has been classified as Pathogenic.

Literature cited by the submitters: PubMed 20104584.

NM_000059.4(BRCA2):c.4227_4228dup (p.Thr1410fs)

Gene: BRCA2 (BRCA2 DNA repair associated; plus strand). Cytogenetic location: 13q13.1.
Variant type: Duplication.
Coding change: c.4227_4228dup on transcript NM_000059.4 (MANE Select); coding-DNA positions 4227 to 4228, 2 bases duplicated (AA; older notation c.4227_4228dupAA).
Protein change: p.Thr1410fs; shifts the reading frame from threonine 1410.
Molecular consequence: frameshift variant. On other transcripts: non-coding transcript variant (1), intron variant (2).
Genome position (GRCh38, 1-based): chr13:32,338,582-32,338,583, AA duplicated. VCF-style (leftmost placement, unchanged base first): chr13-32338581-T-TAA. GRCh37 (hg19) VCF-style: chr13-32912718-T-TAA.
Other names: c.4227_4228dup, p.Thr1410fs (NM_001406719.1, NM_001406720.1); c.1909+5195_1909+5196dup (NM_001406721.1); c.425-5976_425-5975dup (NM_001406722.1); short protein forms T1410fs.
Identifiers: ClinVar variation 2765157 (VCV002765157.3), dbSNP rs879255450, ClinGen allele CA2697551729.
Genomic context (GRCh38, chr13:32,338,581, plus strand): 5'-TTTTGGAAGTTGCGAAAGCTCAAGAAGCATGTCATGGTAATACTTCAAATAAAGAACAGT[T>TAA]AACTGCTACTAAAACGGAGCAAAATATAAAAGATTTTGAGACTTCTGATACATTTTTTCA-3'